The following is an entry in ClinVar:

NM_006009.4(TUBA1A):c.1190T>C (p.Leu397Pro)

Gene: TUBA1A (tubulin alpha 1a; minus strand). Cytogenetic location: 12q13.12.
Variant type: single nucleotide variant.
Coding change: c.1190T>C on transcript NM_006009.4 (MANE Select); coding-DNA position 1190, T replaced by C.
Protein change: p.Leu397Pro; replaces leucine 397 with proline.
Molecular consequence: missense variant.
Genome position (GRCh38, 1-based): chr12:49,185,176, A>G on the plus strand (T>C on the coding strand, the complement: TUBA1A is on the minus strand). VCF-style: chr12-49185176-A-G. GRCh37 (hg19) VCF-style: chr12-49578959-A-G.
Other names: c.1190T>C, p.Leu397Pro (NM_001270399.2); c.1085T>C, p.Leu362Pro (NM_001270400.2); short protein forms L397P, L362P.
Identifiers: ClinVar variation 7075 (VCV000007075.7), dbSNP rs137853048, ClinGen allele CA213162.

ClinVar aggregate classification (germline): Pathogenic. Review status: criteria provided, multiple submitters, no conflicts (2 of 4 stars). 3 submissions from 3 submitters: Pathogenic (2). 1 of the submissions does not count toward it. Last evaluated 2023-10-02.

Conditions:
Tubulinopathy. Also called: Tubulinopathies. Identifiers: MedGen CN850169, MONDO:0100153.
Lissencephaly due to TUBA1A mutation (CDCBM16). Also called: CORTICAL DYSPLASIA, COMPLEX, WITH OTHER BRAIN MALFORMATIONS 16; Lissencephaly 3. Identifiers: Orphanet 171680, MedGen C4305153, MONDO:0012703, OMIM 611603.

Submissions (3):

Greenwood Genetic Center Diagnostic Laboratories, Greenwood Genetic Center
Classification: Pathogenic for Lissencephaly due to TUBA1A mutation. Last evaluated: 2023-10-02. Review status: criteria provided, single submitter. Criteria: ACMG Guidelines, 2015. Collection method: clinical testing. Allele origin: germline. Affected: yes.
Comment: PS2, PS3, PS4_Supporting, PM2, PM6, PP2, PP3

Institute of Human Genetics, FAU Erlangen, Friedrich-Alexander-Universität Erlangen-Nürnberg
Classification: Pathogenic for Tubulinopathies. Last evaluated: 2018-07-01. Review status: criteria provided, single submitter. Criteria: ACMG Guidelines, 2015. Collection method: literature only. Allele origin: de novo. Affected: yes. Observed: 1 variant allele.
Comment: The c.1190T>C, p.(Leu397Pro) variant has been reported as a variant of de novo origin. This variant and associated phenotype was previously reported by Bahi-Buisson et al. J Med Genet, 2008 PMID: 18728072. Pachygyria (HP:0001302); Dysgenesis of the cerebellar vermis (HP:0002195); Dilated fourth ventricle (HP:0002198); Microcephaly (HP:0000252); Spasticity (HP:0001257); no Seizures (-HP:0001250); Strabismus (HP:0000486)

OMIM
Classification: Pathogenic for CORTICAL DYSPLASIA, COMPLEX, WITH OTHER BRAIN MALFORMATIONS 16. Last evaluated: 2008-10-01. Review status: no assertion criteria provided. Collection method: literature only. Allele origin: germline. Not counted in ClinVar's aggregate classification.

Literature cited by the submitters: PubMed 30744660 (cited by Institute of Human Genetics, FAU Erlangen, Friedrich-Alexander-Universität Erlangen-Nürnberg); DOI 10.1101/427948 (cited by Institute of Human Genetics, FAU Erlangen, Friedrich-Alexander-Universität Erlangen-Nürnberg); PubMed 18728072 (cited by OMIM).